The following is an entry in ClinVar:

NM_175914.5(HNF4A):c.925C>A (p.Arg309Ser)

Gene: HNF4A (hepatocyte nuclear factor 4 alpha; plus strand). Cytogenetic location: 20q13.12.
Variant type: single nucleotide variant.
Coding change: c.925C>A on transcript NM_175914.5 (MANE Select); coding-DNA position 925, C replaced by A.
Protein change: p.Arg309Ser; replaces arginine 309 with serine.
Molecular consequence: missense variant.
Genome position (GRCh38, 1-based): chr20:44,424,116, C>A. VCF-style: chr20-44424116-C-A. GRCh37 (hg19) VCF-style: chr20-43052756-C-A.
Other names: NM_175914.5(HNF4A):c.925C>A; p.Arg309Ser; c.991C>A, p.Arg331Ser (NM_000457.6, NM_178849.3, NM_178850.3); c.925C>A, p.Arg309Ser (NM_001030003.3, NM_001030004.3); c.970C>A, p.Arg324Ser (NM_001258355.2); c.916C>A, p.Arg306Ser (NM_001287182.2, NM_001287183.2, NM_001287184.2); short protein forms R306S, R309S, R331S, R324S.
Identifiers: ClinVar variation 586022 (VCV000586022.2), dbSNP rs193922479, ClinGen allele CA409108243.
Genomic context (GRCh38, chr20:44,424,116, plus strand): 5'-CTGCGTTCCCAGGTGCAGGTGAGCTTGGAGGACTACATCAACGACCGCCAGTATGACTCG[C>A]GTGGCCGCTTTGGAGAGCTGCTGCTGCTGCTGCCCACCTTGCAGAGCATCACCTGGCAGA-3'
Protein context (NP_787110.2, residues 299-319): DYINDRQYDS[Arg309Ser]GRFGELLLLL

ClinVar aggregate classification (germline): Uncertain significance. Review status: reviewed by expert panel (3 of 4 stars). 2 submissions from 2 submitters: Uncertain significance (1). 1 of the submissions does not count toward it. Last evaluated 2024-09-26.

Conditions:
Monogenic diabetes. Identifiers: Orphanet 183625, MedGen C3888631, MONDO:0015967.

gnomAD v4.1: 1 of 1,613,504 alleles (0.000062%); highest among the groups gnomAD compares: Non-Finnish European, 0.000085%; no homozygotes.

Submissions (2):

ClinGen Monogenic Diabetes Variant Curation Expert Panel
Classification: Uncertain significance for Monogenic diabetes. Last evaluated: 2024-09-26. Review status: reviewed by expert panel. Criteria: ClinGen Diabetes ACMG Specifications HNF4A V2.0.0. Collection method: curation. Allele origin: germline. Inheritance: Autosomal dominant inheritance.
Comment: The c.925C>A variant in the hepatocyte nuclear factor 4 alpha gene, HNF4A, causes an amino acid change of arginine to serine at codon 309 (p.(Arg309Ser)) of NM_175914.5. This variant is absent from gnomAD v2.1.1 (PM2_Supporting). This variant is predicted to be deleterious by computational evidence, with a REVEL score of 0.737, which is greater than the MDEP VCEP threshold of 0.70 (PP3). This variant is located within the ligand-binding domain (codons 300-350) of HNF4A, which is defined as critical for the protein’s function by the ClinGen MDEP (PM1_Supporting). Another missense variant, c.c.925C>T, p.Arg309Cys, has been classified as pathogenic by the ClinGen MDEP but has a greater Grantham distance than p.Arg309Ser (PM5_Supporting). In summary, c.778G>T meets the criteria to be classified as uncertain significance for monogenic diabetes. ACMG/AMP criteria applied, as specified by the ClinGen MDEP (specification version 2.0.0, approved 10/11/2023): PM2_supporting, PP3, PM1_supporting, PM5_supporting.

Athena Diagnostics
Classification: Uncertain significance. Last evaluated: 2018-05-02. Review status: criteria provided, single submitter. Criteria: Athena Diagnostics Criteria. Collection method: clinical testing. Allele origin: germline. Not counted in ClinVar's aggregate classification.